The following is an entry in ClinVar:

ClinVar aggregate classification (germline): Uncertain significance (1 of 4 stars; one submission).

Conditions:
Hereditary cancer-predisposing syndrome. Also called: Neoplastic Syndromes, Hereditary; Tumor predisposition; Hereditary neoplastic syndrome; Hereditary Cancer Syndrome. Identifiers: Orphanet 140162, MedGen C0027672, MeSH D009386, MONDO:0015356.

Submission:

Ambry Genetics
Classification: Uncertain significance for Hereditary cancer-predisposing syndrome. Last evaluated: 2022-01-10. Review status: criteria provided, single submitter. Criteria: Ambry Variant Classification Scheme 2023. Collection method: clinical testing. Allele origin: germline.
Comment: The p.G1125A variant (also known as c.3374G>C), located in coding exon 5 of the MSH6 gene, results from a G to C substitution at nucleotide position 3374. The glycine at codon 1125 is replaced by alanine, an amino acid with similar properties. This amino acid position is not well conserved in available vertebrate species. In addition, the in silico prediction for this alteration is inconclusive. Since supporting evidence is limited at this time, the clinical significance of this alteration remains unclear.

NM_000179.3(MSH6):c.3374G>C (p.Gly1125Ala)

Gene: MSH6 (mutS homolog 6; plus strand). Cytogenetic location: 2p16.3.
Variant type: single nucleotide variant.
Coding change: c.3374G>C on transcript NM_000179.3 (MANE Select); coding-DNA position 3374, G replaced by C.
Protein change: p.Gly1125Ala; replaces glycine 1125 with alanine.
Molecular consequence: missense variant.
Genome position (GRCh38, 1-based): chr2:47,803,621, G>C. VCF-style: chr2-47803621-G-C. GRCh37 (hg19) VCF-style: chr2-48030760-G-C.
Other names: c.2984G>C, p.Gly995Ala (NM_001281492.2); c.2468G>C, p.Gly823Ala (NM_001281493.2, NM_001281494.2); short protein forms G823A, G1125A, G995A.
Identifiers: ClinVar variation 823681 (VCV000823681.4), dbSNP rs1572735887, ClinGen allele CA346758810.